The following is an entry in ClinVar:

NM_001394998.1(TANC2):c.954G>C (p.Glu318Asp)

Gene: TANC2 (tetratricopeptide repeat, ankyrin repeat and coiled-coil containing 2; plus strand). Cytogenetic location: 17q23.3.
Variant type: single nucleotide variant.
Coding change: c.954G>C on transcript NM_001394998.1 (MANE Select); coding-DNA position 954, G replaced by C.
Protein change: p.Glu318Asp; replaces glutamic acid 318 with aspartic acid.
Molecular consequence: missense variant.
Genome position (GRCh38, 1-based): chr17:63,237,998, G>C. VCF-style: chr17-63237998-G-C. GRCh37 (hg19) VCF-style: chr17-61315359-G-C.
Other names: c.732G>C, p.Glu244Asp (NM_001411076.1, NM_025185.4); short protein forms E244D, E318D.
Identifiers: ClinVar variation 2629979 (VCV002629979.1), dbSNP rs779995743, ClinGen allele CA400792752.

ClinVar aggregate classification (germline): Uncertain significance (1 of 4 stars; one submission).

Conditions:
TANC2-related disorder. Also called: TANC2-related condition.

gnomAD v4.1: 1 of 1,572,666 alleles (0.000064%); highest among the groups gnomAD compares: Non-Finnish European, 0.000086%; no homozygotes.

Submission:

PreventionGenetics, part of Exact Sciences
Classification: Uncertain significance for TANC2-related condition. Last evaluated: 2022-12-21. Review status: criteria provided, single submitter. Criteria: ACMG Guidelines, 2015. Collection method: clinical testing. Allele origin: germline.
Comment: The TANC2 c.732G>C variant is predicted to result in the amino acid substitution p.Glu244Asp. To our knowledge, this variant has not been reported in the literature or in a large population database, indicating this variant is rare. At this time, the clinical significance of this variant is uncertain due to the absence of conclusive functional and genetic evidence.